The following is an entry in ClinVar:

NM_001958.5(EEF1A2):c.-25G>A

Gene: EEF1A2 (eukaryotic translation elongation factor 1 alpha 2; minus strand). Cytogenetic location: 20q13.33.
Variant type: single nucleotide variant.
Coding change: c.-25G>A on transcript NM_001958.5 (MANE Select); 25 bases upstream of the start codon, G replaced by A.
Molecular consequence: 5 prime UTR variant.
Genome position (GRCh38, 1-based): chr20:63,497,788, C>T on the plus strand (G>A on the coding strand, the complement: EEF1A2 is on the minus strand). VCF-style: chr20-63497788-C-T. GRCh37 (hg19) VCF-style: chr20-62129141-C-T.
Identifiers: ClinVar variation 383872 (VCV000383872.1), dbSNP rs60257456, ClinGen allele CA9959220.

ClinVar aggregate classification (germline): Benign (1 of 4 stars; one submission).

Allele frequency attached by ClinVar (database versions not stated): 1000 Genomes Project 0.00240; 1000 Genomes Project 30x 0.00375; TOPMed 0.00413; ESP Exome Variant Server 0.00461.
gnomAD v4.1: 2,592 of 1,604,498 alleles (0.16%); highest among the groups gnomAD compares: African/African-American, 1.2%; 10 homozygotes.

Submission:

GeneDx
Classification: Benign. Last evaluated: 2016-03-07. Review status: criteria provided, single submitter. Criteria: GeneDx Variant Classification (06012015). Collection method: clinical testing. Allele origin: germline. Affected: yes.
Comment: This variant is considered likely benign or benign based on one or more of the following criteria: it is a conservative change, it occurs at a poorly conserved position in the protein, it is predicted to be benign by multiple in silico algorithms, and/or has population frequency not consistent with disease.